The following is an entry in ClinVar:

ClinVar aggregate classification (germline): Likely pathogenic (1 of 4 stars; one submission).

Conditions:
Dilated cardiomyopathy 1G (CMD1G). Identifiers: Orphanet 154, MedGen C1858763, MONDO:0011400, OMIM 604145.
Autosomal recessive limb-girdle muscular dystrophy type 2J (LGMDR10). Also called: MUSCULAR DYSTROPHY, LIMB-GIRDLE, AUTOSOMAL RECESSIVE 10; Limb-girdle muscular dystrophy, type 2J. Identifiers: Orphanet 140922, MedGen C1837342, MONDO:0012127, OMIM 608807.

Submission:

Labcorp Genetics (formerly Invitae), Labcorp
Classification: Likely pathogenic for Dilated cardiomyopathy 1G; Autosomal recessive limb-girdle muscular dystrophy type 2J. Last evaluated: 2021-09-16. Review status: criteria provided, single submitter. Criteria: Invitae Variant Classification Sherloc (09022015). Collection method: clinical testing. Allele origin: germline.
Comment: In summary, the currently available evidence indicates that the variant is pathogenic, but additional data are needed to prove that conclusively. Therefore, this variant has been classified as Likely Pathogenic. This variant disrupts the Z, I and A band(s) of TTN (PMID: 25589632). Truncating variants in A band are significantly overrepresented in patients affected with dilated cardiomyopathy (PMID: 25589632). Truncating variants in this region have also been reported in individuals affected with autosomal recessive centronuclear myopathy (PMID: 23975875). This variant has not been reported in the literature in individuals affected with TTN-related conditions. This variant is a gross deletion of the genomic region encompassing exon(s) 2-321 of the TTN gene, which includes the initiator codon. The 5' end of this event is unknown as it extends beyond the assayed region for this gene and therefore may encompass additional genes. The 3' boundary is likely confined to intron 321 of the TTN gene. It is expected to result in an absent or disrupted protein product.

Literature cited by the submitters: PubMed 25589632; PubMed 23975875.

NC_000002.11:g.(?_179443318)_(179669369_?)del

Gene: TTN (titin; minus strand). Cytogenetic location: 2q31.2.
Variant type: Deletion.
Identifiers: ClinVar variation 1504747 (VCV001504747.7).